The following is an entry in ClinVar:

NM_014915.3(ANKRD26):c.4367A>G (p.Gln1456Arg)

Gene: ANKRD26 (ankyrin repeat domain containing 26; minus strand). Cytogenetic location: 10p12.1.
Variant type: single nucleotide variant.
Coding change: c.4367A>G on transcript NM_014915.3 (MANE Select); coding-DNA position 4367, A replaced by G.
Protein change: p.Gln1456Arg; replaces glutamine 1456 with arginine.
Molecular consequence: missense variant.
Genome position (GRCh38, 1-based): chr10:27,017,641, T>C on the plus strand (A>G on the coding strand, the complement: ANKRD26 is on the minus strand). VCF-style: chr10-27017641-T-C. GRCh37 (hg19) VCF-style: chr10-27306570-T-C.
Other names: c.4364A>G, p.Gln1455Arg (NM_001256053.2); short protein forms Q1455R, Q1456R.
Identifiers: ClinVar variation 3369003 (VCV003369003.2).

ClinVar aggregate classification (germline): Uncertain significance. Review status: criteria provided, multiple submitters, no conflicts (2 of 4 stars). 2 submissions from 2 submitters: Uncertain significance (2). Last evaluated 2025-04-10.

Conditions:
Inborn genetic diseases. Identifiers: MedGen C0950123, MeSH D030342.

gnomAD v4.1: 4 of 1,613,574 alleles (0.00025%); highest among the groups gnomAD compares: African/African-American, 0.0027%; no homozygotes.

Submissions (2):

Ambry Genetics
Classification: Uncertain significance for Inborn genetic diseases. Last evaluated: 2025-04-10. Review status: criteria provided, single submitter. Criteria: Ambry Variant Classification Scheme 2023. Collection method: clinical testing. Allele origin: germline.
Comment: The p.Q1456R variant (also known as c.4367A>G), located in coding exon 30 of the ANKRD26 gene, results from an A to G substitution at nucleotide position 4367. The glutamine at codon 1456 is replaced by arginine, an amino acid with highly similar properties. This amino acid position is conserved. In addition, this alteration is predicted to be tolerated by in silico analysis. Based on the available evidence, the clinical significance of this variant remains unclear.

GeneDx
Classification: Uncertain significance. Last evaluated: 2024-02-16. Review status: criteria provided, single submitter. Criteria: GeneDx Variant Classification Process June 2021. Collection method: clinical testing. Allele origin: germline. Affected: yes.
Comment: Not observed at significant frequency in large population cohorts (gnomAD); In silico analysis supports that this missense variant has a deleterious effect on protein structure/function; Has not been previously published as pathogenic or benign to our knowledge